The following is an entry in ClinVar:

ClinVar aggregate classification (germline): Uncertain significance (1 of 4 stars; one submission).

Allele frequency attached by ClinVar (database versions not stated): gnomAD exomes 0.00006; ExAC 0.00007; TOPMed 0.00015; 1000 Genomes Project 30x 0.00016; gnomAD 0.00019 and 0.00020; 1000 Genomes Project 0.00020.
gnomAD v4.1: 80 of 1,614,214 alleles (0.005%); highest among the groups gnomAD compares: African/African-American, 0.064%; no homozygotes.

Submission:

Labcorp Genetics (formerly Invitae), Labcorp
Classification: Uncertain significance. Last evaluated: 2021-02-07. Review status: criteria provided, single submitter. Criteria: Invitae Variant Classification Sherloc (09022015). Collection method: clinical testing. Allele origin: germline.
Comment: In summary, the available evidence is currently insufficient to determine the role of this variant in disease. Therefore, it has been classified as a Variant of Uncertain Significance. Experimental studies and prediction algorithms are not available or were not evaluated, and the functional significance of this variant is currently unknown. This variant has not been reported in the literature in individuals with HTT-related conditions. This variant is present in population databases (rs573353052, ExAC 0.04%). This sequence change replaces histidine with leucine at codon 2190 of the HTT protein (p.His2190Leu). The histidine residue is weakly conserved and there is a moderate physicochemical difference between histidine and leucine.

NM_001388492.1(HTT):c.6563A>T (p.His2188Leu)

Gene: HTT (huntingtin; plus strand). Cytogenetic location: 4p16.3.
Variant type: single nucleotide variant.
Coding change: c.6563A>T on transcript NM_001388492.1 (MANE Select); coding-DNA position 6563, A replaced by T.
Protein change: p.His2188Leu; replaces histidine 2188 with leucine.
Molecular consequence: missense variant.
Genome position (GRCh38, 1-based): chr4:3,212,077, A>T. VCF-style: chr4-3212077-A-T. GRCh37 (hg19) VCF-style: chr4-3213804-A-T.
Other names: c.6569A>T, p.His2190Leu (NM_002111.8); short protein forms H2190L, H2188L.
Identifiers: ClinVar variation 1414218 (VCV001414218.6), dbSNP rs573353052, ClinGen allele CA2825070.